The following is an entry in ClinVar:

ClinVar aggregate classification (germline): Uncertain significance. Review status: criteria provided, multiple submitters, no conflicts (2 of 4 stars). 2 submissions from 2 submitters: Uncertain significance (2). Last evaluated 2024-08-05.

Conditions:
Primary ciliary dyskinesia. Also called: Ciliary dyskinesia. Identifiers: Orphanet 244, MedGen C0008780, MONDO:0016575, HP:0012265.

Allele frequency attached by ClinVar (database versions not stated): gnomAD exomes below 0.00001.
gnomAD v4.1: 10 of 1,614,206 alleles (0.00062%); highest among the groups gnomAD compares: Non-Finnish European, 0.00076%; no homozygotes.

Submissions (2):

Ambry Genetics
Classification: Uncertain significance for Primary ciliary dyskinesia. Last evaluated: 2024-08-05. Review status: criteria provided, single submitter. Criteria: Ambry Variant Classification Scheme 2023. Collection method: clinical testing. Allele origin: germline.

Labcorp Genetics (formerly Invitae), Labcorp
Classification: Uncertain significance for Primary ciliary dyskinesia. Last evaluated: 2021-07-28. Review status: criteria provided, single submitter. Criteria: Invitae Variant Classification Sherloc (09022015). Collection method: clinical testing. Allele origin: germline.
Comment: This sequence change replaces glutamine with histidine at codon 40 of the DNAI2 protein (p.Gln40His). The glutamine residue is weakly conserved and there is a small physicochemical difference between glutamine and histidine. This variant is not present in population databases (ExAC no frequency). This variant has not been reported in the literature in individuals affected with DNAI2-related conditions. Algorithms developed to predict the effect of missense changes on protein structure and function (SIFT, PolyPhen-2, Align-GVGD) all suggest that this variant is likely to be tolerated. In summary, the available evidence is currently insufficient to determine the role of this variant in disease. Therefore, it has been classified as a Variant of Uncertain Significance.

NM_023036.6(DNAI2):c.120G>T (p.Gln40His)

Gene: DNAI2 (dynein axonemal intermediate chain 2; plus strand). Cytogenetic location: 17q25.1.
Variant type: single nucleotide variant.
Coding change: c.120G>T on transcript NM_023036.6 (MANE Select); coding-DNA position 120, G replaced by T.
Protein change: p.Gln40His; replaces glutamine 40 with histidine.
Molecular consequence: missense variant. On other transcripts: non-coding transcript variant (1).
Genome position (GRCh38, 1-based): chr17:74,281,937, G>T. VCF-style: chr17-74281937-G-T. GRCh37 (hg19) VCF-style: chr17-72278076-G-T.
Other names: c.120G>T, p.Gln40His (NM_001172810.3, NM_001353167.2); c.120G>T (NM_023036.4); short protein forms Q40H.
Identifiers: ClinVar variation 1377725 (VCV001377725.4), dbSNP rs1274866190, ClinGen allele CA400912181.